The following is an entry in ClinVar:

NM_001127178.3(PIGG):c.759+2T>C

Gene: PIGG (phosphatidylinositol glycan anchor biosynthesis class G (EMM blood group); plus strand). Cytogenetic location: 4p16.3.
Variant type: single nucleotide variant.
Coding change: c.759+2T>C on transcript NM_001127178.3 (MANE Select); the canonical splice donor site of the intron after coding-DNA position 759, T replaced by C.
Molecular consequence: splice donor variant. On other transcripts: intron variant (1).
Genome position (GRCh38, 1-based): chr4:507,595, T>C. VCF-style: chr4-507595-T-C. GRCh37 (hg19) VCF-style: chr4-501384-T-C.
Other names: c.-454+2T>C (NM_001345994.2); c.492+2T>C (NM_001345986.2, NM_001345987.2, NM_001289051.2 and 2 more transcripts); c.-729+2T>C (NM_001345991.2); c.-129+2T>C (NM_001345988.2); c.-867+2T>C (NM_001345990.2); c.759+2T>C (NM_017733.5, NM_001345989.2); c.361-1234T>C (NM_001289052.2); c.393+2T>C (NM_001289055.2).
Identifiers: ClinVar variation 946419 (VCV000946419.8), dbSNP rs1720189292, ClinGen allele CA355898078.
Genomic context (GRCh38, chr4:507,595, plus strand): 5'-AGAAGCTGAGCGAGATGGACAGCGTGCTGATGAAGATCCACACCTCACTGCAGTCGAAGG[T>C]GAGGCTCGCCGTCGCTCACTGTCTGCTGATGTGGTTTCACGTGGATGTTCCCTAGAATAA-3'

ClinVar aggregate classification (germline): Likely pathogenic (1 of 4 stars; one submission).

Conditions:
Intellectual disability, autosomal recessive 53 (NEDHSCA). Also called: GLYCOSYLPHOSPHATIDYLINOSITOL BIOSYNTHESIS DEFECT 13; Mental retardation, autosomal recessive 53; NEURODEVELOPMENTAL DISORDER WITH OR WITHOUT HYPOTONIA, SEIZURES, AND CEREBELLAR ATROPHY. Identifiers: Orphanet 488635, MedGen C4310794, MONDO:0014832, OMIM 616917.

Allele frequency attached by ClinVar (database versions not stated): gnomAD exomes below 0.00001.
gnomAD v4.1: 1 of 1,608,366 alleles (0.000062%); highest among the groups gnomAD compares: Non-Finnish European, 0.000085%; no homozygotes.

Submission:

Labcorp Genetics (formerly Invitae), Labcorp
Classification: Likely pathogenic for Intellectual disability, autosomal recessive 53. Last evaluated: 2024-06-25. Review status: criteria provided, single submitter. Criteria: Invitae Variant Classification Sherloc (09022015). Collection method: clinical testing. Allele origin: germline.
Comment: This sequence change affects a donor splice site in intron 4 of the PIGG gene. It is expected to disrupt RNA splicing. Variants that disrupt the donor or acceptor splice site typically lead to a loss of protein function (PMID: 16199547), and loss-of-function variants in PIGG are known to be pathogenic (PMID: 26996948, 28581210, 28771251). This variant is not present in population databases (gnomAD no frequency). This variant has not been reported in the literature in individuals affected with PIGG-related conditions. ClinVar contains an entry for this variant (Variation ID: 946419). Algorithms developed to predict the effect of sequence changes on RNA splicing suggest that this variant may disrupt the consensus splice site. In summary, the currently available evidence indicates that the variant is pathogenic, but additional data are needed to prove that conclusively. Therefore, this variant has been classified as Likely Pathogenic.

Literature cited by the submitters: PubMed 16199547; PubMed 26996948; PubMed 28581210; PubMed 28771251.